The following is an entry in ClinVar:

NM_033419.5(PGAP3):c.307C>G (p.Gln103Glu)

Gene: PGAP3 (post-GPI attachment to proteins phospholipase 3; minus strand). Cytogenetic location: 17q12.
Variant type: single nucleotide variant.
Coding change: c.307C>G on transcript NM_033419.5 (MANE Select); coding-DNA position 307, C replaced by G.
Protein change: p.Gln103Glu; replaces glutamine 103 with glutamic acid.
Molecular consequence: missense variant. On other transcripts: intron variant (1).
Genome position (GRCh38, 1-based): chr17:39,684,722, G>C on the plus strand (C>G on the coding strand, the complement: PGAP3 is on the minus strand). VCF-style: chr17-39684722-G-C. GRCh37 (hg19) VCF-style: chr17-37840975-G-C.
Other names: c.307C>G, p.Gln103Glu (NM_001291728.2, NM_001291730.2, NM_001291732.2 and 1 more transcripts); c.279+1200C>G (NM_001291726.2); short protein forms Q103E.
Identifiers: ClinVar variation 1028519 (VCV001028519.1), dbSNP rs900578977, ClinGen allele CA290413652.

ClinVar aggregate classification (germline): Uncertain significance (1 of 4 stars; one submission).

Conditions:
Hyperphosphatasia with impaired intellectual development syndrome 4. Also called: Hyperphosphatasia with intellectual disability syndrome 4; GLYCOSYLPHOSPHATIDYLINOSITOL BIOSYNTHESIS DEFECT 10. Identifiers: Orphanet 247262, MedGen C3810354, MONDO:0014318, OMIM 615716.

Allele frequency attached by ClinVar (database versions not stated): gnomAD exomes below 0.00001; gnomAD 0.00001; TOPMed 0.00001.

Submission:

Baylor Genetics
Classification: Uncertain significance for Hyperphosphatasia with impaired intellectual development syndrome 4. Last evaluated: 2019-08-08. Review status: criteria provided, single submitter. Criteria: ACMG Guidelines, 2015. Collection method: clinical testing. Allele origin: unknown. Affected: yes.
Comment: This variant was determined to be of uncertain significance according to ACMG Guidelines, 2015 [PMID:25741868].